The following is an entry in ClinVar:

NM_153700.2(STRC):c.259C>T (p.Gln87Ter)

Gene: STRC (stereocilin; minus strand). Cytogenetic location: 15q15.3.
Variant type: single nucleotide variant.
Coding change: c.259C>T on transcript NM_153700.2 (MANE Select); coding-DNA position 259, C replaced by T.
Protein change: p.Gln87Ter; replaces glutamine 87 with a stop codon.
Molecular consequence: nonsense.
Genome position (GRCh38, 1-based): chr15:43,618,162, G>A on the plus strand (C>T on the coding strand, the complement: STRC is on the minus strand). VCF-style: chr15-43618162-G-A. GRCh37 (hg19) VCF-style: chr15-43910360-G-A.
Other names: short protein forms Q87*.
Identifiers: ClinVar variation 666998 (VCV000666998.5), dbSNP rs1344019160, ClinGen allele CA392186467.

ClinVar aggregate classification (germline): Pathogenic (1 of 4 stars; one submission).

Conditions:
Rare genetic deafness. Identifiers: Orphanet 96210, MedGen C5680250.

Submission:

Laboratory for Molecular Medicine, Mass General Brigham Personalized Medicine
Classification: Pathogenic for Rare genetic deafness. Last evaluated: 2019-02-28. Review status: criteria provided, single submitter. Criteria: LMM Criteria. Collection method: clinical testing. Allele origin: germline. Inheritance: Autosomal recessive inheritance. Observed: 1 variant allele.
Comment: The p.Gln87X variant in STRC has not been previously reported in individuals with hearing loss, but has been identified in 0.047% (2/4228) of Finnish chromosomes by gnomAD. This nonsense variant leads to a premature termination codon at position 87, which is predicted to lead to a truncated or absent protein. Loss of function of the STRC gene is an established disease mechanism in autosomal recessive. In summary, this variant meets criteria to be classified as pathogenic for autosomal recessive hearing loss. ACMG/AMP criteria applied: PVS1, PM3, PM2_Supporting.